The following is an entry in ClinVar:

ClinVar aggregate classification (germline): Uncertain significance (1 of 4 stars; one submission).

Conditions:
Alstrom syndrome (ALMS). Identifiers: Orphanet 64, MedGen C0268425, MONDO:0008763, OMIM 203800.

Submission:

Labcorp Genetics (formerly Invitae), Labcorp
Classification: Uncertain significance for Alstrom syndrome. Last evaluated: 2025-05-05. Review status: criteria provided, single submitter. Criteria: Invitae Variant Classification Sherloc (09022015). Collection method: clinical testing. Allele origin: germline.
Comment: This sequence change replaces aspartic acid, which is acidic and polar, with tyrosine, which is neutral and polar, at codon 2955 of the ALMS1 protein (p.Asp2955Tyr). This variant is not present in population databases (gnomAD no frequency). This variant has not been reported in the literature in individuals affected with ALMS1-related conditions. Experimental studies and prediction algorithms are not available or were not evaluated, and the functional significance of this variant is currently unknown. Algorithms developed to predict the effect of sequence changes on RNA splicing suggest that this variant may create or strengthen a splice site. In summary, the available evidence is currently insufficient to determine the role of this variant in disease. Therefore, it has been classified as a Variant of Uncertain Significance.

NM_001378454.1(ALMS1):c.8860G>T (p.Asp2954Tyr)

Gene: ALMS1 (ALMS1 centrosome and basal body associated protein; plus strand). Cytogenetic location: 2p13.1.
Variant type: single nucleotide variant.
Coding change: c.8860G>T on transcript NM_001378454.1 (MANE Select); coding-DNA position 8860, G replaced by T.
Protein change: p.Asp2954Tyr; replaces aspartic acid 2954 with tyrosine.
Molecular consequence: missense variant.
Genome position (GRCh38, 1-based): chr2:73,490,819, G>T. VCF-style: chr2-73490819-G-T. GRCh37 (hg19) VCF-style: chr2-73717946-G-T.
Other names: c.8863G>T, p.Asp2955Tyr (NM_015120.4); short protein forms D2955Y, D2954Y.
Identifiers: ClinVar variation 4718969 (VCV004718969.1).